The following is an entry in ClinVar:

ClinVar aggregate classification (germline): Uncertain significance (1 of 4 stars; one submission).

Allele frequency attached by ClinVar (database versions not stated): gnomAD exomes below 0.00001.
gnomAD v4.1: 6 of 1,604,114 alleles (0.00037%); highest among the groups gnomAD compares: Non-Finnish European, 0.00043%; no homozygotes.

Submission:

GeneDx
Classification: Uncertain significance. Last evaluated: 2026-02-05. Review status: criteria provided, single submitter. Criteria: GeneDx Variant Classification Process June 2021. Collection method: clinical testing. Allele origin: germline. Affected: yes.
Comment: Not observed at significant frequency in large population cohorts (gnomAD); In silico analysis supports that this missense variant has a deleterious effect on protein structure/function; Has not been previously published as pathogenic or benign to our knowledge

NM_170606.3(KMT2C):c.9386T>C (p.Met3129Thr)

Gene: KMT2C (lysine methyltransferase 2C; minus strand). Cytogenetic location: 7q36.1.
Variant type: single nucleotide variant.
Coding change: c.9386T>C on transcript NM_170606.3 (MANE Select); coding-DNA position 9386, T replaced by C.
Protein change: p.Met3129Thr; replaces methionine 3129 with threonine.
Molecular consequence: missense variant.
Genome position (GRCh38, 1-based): chr7:152,171,331, A>G on the plus strand (T>C on the coding strand, the complement: KMT2C is on the minus strand). VCF-style: chr7-152171331-A-G. GRCh37 (hg19) VCF-style: chr7-151868416-A-G.
Other names: short protein forms M3129T.
Identifiers: ClinVar variation 432776 (VCV000432776.3), dbSNP rs1554488317, ClinGen allele CA370107739.